The following is an entry in ClinVar:

NM_015271.5(TRIM2):c.1671G>T (p.Pro557=)

Gene: TRIM2 (tripartite motif containing 2; plus strand). Cytogenetic location: 4q31.3.
Variant type: single nucleotide variant.
Coding change: c.1671G>T on transcript NM_015271.5 (MANE Select); coding-DNA position 1671, G replaced by T.
Protein change: p.Pro557=; no amino-acid change (proline 557 retained).
Molecular consequence: synonymous variant.
Genome position (GRCh38, 1-based): chr4:153,315,888, G>T. VCF-style: chr4-153315888-G-T. GRCh37 (hg19) VCF-style: chr4-154237040-G-T.
Other names: c.1590G>T, p.Pro530= (NM_001130067.2, NM_001351056.2, NM_001375512.1 and 5 more transcripts); c.1644G>T, p.Pro548= (NM_001351054.2); c.1641G>T, p.Pro547= (NM_001351055.2); c.1215G>T, p.Pro405= (NM_001351057.2); c.1764G>T, p.Pro588= (NM_001375488.1); c.1761G>T, p.Pro587= (NM_001375489.1); c.1614G>T, p.Pro538= (NM_001375490.1); c.1611G>T, p.Pro537= (NM_001375491.1); and 4 more.
Identifiers: ClinVar variation 704299 (VCV000704299.13), dbSNP rs150231451, ClinGen allele CA3108807.

ClinVar aggregate classification (germline): Likely benign. Review status: criteria provided, single submitter (1 of 4 stars). 2 submissions from 2 submitters: Likely benign (1). 1 of the submissions does not count toward it. Last evaluated 2024-06-17.

Conditions:
Charcot-Marie-Tooth disease type 2R. Also called: CHARCOT-MARIE-TOOTH DISEASE, AXONAL, AUTOSOMAL RECESSIVE, TYPE 2R; Charcot-Marie-Tooth disease, axonal, type 2R; CHARCOT-MARIE-TOOTH NEUROPATHY, TYPE 2R. Identifiers: Orphanet 397968, MedGen C3809655, MONDO:0014208, OMIM 615490.
TRIM2-related disorder. Also called: TRIM2-related condition.

Allele frequency attached by ClinVar (database versions not stated): 1000 Genomes Project 30x 0.00016; 1000 Genomes Project 0.00020; ESP Exome Variant Server 0.00031; gnomAD 0.00038; TOPMed 0.00041.
gnomAD v4.1: 108 of 1,614,048 alleles (0.0067%); highest among the groups gnomAD compares: African/African-American, 0.13%; no homozygotes.

Submissions (2):

Labcorp Genetics (formerly Invitae), Labcorp
Classification: Likely benign for Charcot-Marie-Tooth disease type 2R. Last evaluated: 2024-06-17. Review status: criteria provided, single submitter. Criteria: Invitae Variant Classification Sherloc (09022015). Collection method: clinical testing. Allele origin: germline.

PreventionGenetics, part of Exact Sciences
Classification: Likely benign for TRIM2-related condition. Last evaluated: 2022-04-07. Review status: no assertion criteria provided. Collection method: clinical testing. Allele origin: germline. Not counted in ClinVar's aggregate classification.
Comment: This variant is classified as likely benign based on ACMG/AMP sequence variant interpretation guidelines (Richards et al. 2015 PMID: 25741868, with internal and published modifications).